The following is an entry in ClinVar:

ClinVar aggregate classification (germline): Likely benign. Review status: reviewed by expert panel (3 of 4 stars). 9 submissions from 9 submitters: Likely benign (1). 8 of the submissions do not count toward it. Last evaluated 2024-08-07.

Conditions:
RYR1-related myopathy. Identifiers: Orphanet 98742, MedGen CN305348, MONDO:0100150.
RYR1-related disorder. Also called: RYR1-related disorders; RYR1-related condition. Identifiers: MedGen CN239331.
Malignant hyperthermia, susceptibility to, 1 (MHS1). Also called: Anesthesia related hyperthermia; Malignant hyperpyrexia; Fulminating hyperpyrexia; Pharmacogenic myopathy; RYR1-Related Malignant Hyperthermia Susceptibility; Malignant hyperthermia suceptibility 1. Identifiers: Orphanet 423, MedGen C2930980, MONDO:0007783, OMIM 145600.

Allele frequency attached by ClinVar (database versions not stated): ExAC 0.00006; ESP Exome Variant Server 0.00008; gnomAD 0.00014; TOPMed 0.00015; 1000 Genomes Project 0.00020; 1000 Genomes Project 30x 0.00031.
gnomAD v4.1: 218 of 1,614,122 alleles (0.014%); highest among the groups gnomAD compares: Non-Finnish European, 0.017%; no homozygotes.

Submissions (9):

ClinGen Congenital Myopathies Variant Curation Expert Panel, ClinGen
Classification: Likely benign for RYR1-related myopathy. Last evaluated: 2024-08-07. Review status: reviewed by expert panel. Criteria: ClinGen CongenMyopathy ACMG Specifications RYR1 AR V1.0.0. Collection method: curation. Allele origin: germline. Inheritance: Autosomal unknown.
Comment: The NM_000540.3:c.10048C>A variant in the RYR1 gene is a synonymous variant (p.Arg3350=). The filtering allele frequency (the lower threshold of the 95% CI of 195/1180010) of the c.10048C>A variant in RYR1 is 0.0001406 for European (non-Finnish) chromosomes by gnomAD v4.1, which is higher than the ClinGen Congenital Myopathies VCEP threshold (0.0001406) for BS1, and therefore meets this criterion (BS1). This silent variant is not predicted to impact splicing by SpliceAI. In addition, it occurs at a nucleotide that is poorly conserved as shown by the UCSC Genome Browser (BP4, BP7). In summary, the variant meets the criteria to be classified as likely benign for RYR1-related myopathy. ACMG/AMP criteria met, as specified by the ClinGen Congenital Myopathies VCEP: BS1, BP4, BP7 (ClinGen Congenital Myopathies VCEP specifications version 1; 8/7/2024).

CeGaT Center for Human Genetics Tuebingen
Classification: Likely benign. Last evaluated: 2026-03-01. Review status: criteria provided, single submitter. Criteria: CeGaT Center For Human Genetics Tuebingen Variant Classification Criteria Version 2. Collection method: clinical testing. Allele origin: germline. Affected: yes. Observed: 7 variant alleles. Not counted in ClinVar's aggregate classification.
Comment: RYR1: BP4, BP7

Labcorp Genetics (formerly Invitae), Labcorp
Classification: Likely benign for RYR1-related disorder. Last evaluated: 2025-12-26. Review status: criteria provided, single submitter. Criteria: Invitae Variant Classification Sherloc (09022015). Collection method: clinical testing. Allele origin: germline. Not counted in ClinVar's aggregate classification.

Blueprint Genetics
Classification: Likely benign. Last evaluated: 2024-09-16. Review status: criteria provided, single submitter. Criteria: ACMG Guidelines, 2015. Collection method: clinical testing. Allele origin: germline. Not counted in ClinVar's aggregate classification.

All of Us Research Program, National Institutes of Health
Classification: Likely benign for Malignant hyperthermia, susceptibility to, 1. Last evaluated: 2024-02-05. Review status: criteria provided, single submitter. Criteria: ACMG Guidelines, 2015. Collection method: clinical testing. Allele origin: germline. Inheritance: Autosomal dominant inheritance. Observed: 43 variant alleles, 43 heterozygotes. Not counted in ClinVar's aggregate classification.
Comment: This study involves interpretation of variants in research participants for the purpose of population health screening. Participant phenotype was not available at the time of variant classification. Additional details can be found in publication PMID: 35346344, PMCID: PMC8962531

Color Diagnostics, LLC DBA Color Health
Classification: Likely benign for Malignant hyperthermia, susceptibility to, 1. Last evaluated: 2022-11-06. Review status: criteria provided, single submitter. Criteria: ACMG Guidelines, 2015. Collection method: clinical testing. Allele origin: germline. Not counted in ClinVar's aggregate classification.

GeneDx
Classification: Likely benign. Last evaluated: 2018-01-17. Review status: criteria provided, single submitter. Criteria: GeneDx Variant Classification (06012015). Collection method: clinical testing. Allele origin: germline. Affected: yes. Not counted in ClinVar's aggregate classification.
Comment: This variant is considered likely benign or benign based on one or more of the following criteria: it is a conservative change, it occurs at a poorly conserved position in the protein, it is predicted to be benign by multiple in silico algorithms, and/or has population frequency not consistent with disease.

Genetic Services Laboratory, University of Chicago
Classification: Likely benign. Last evaluated: 2016-05-05. Review status: criteria provided, single submitter. Criteria: ACMG Guidelines, 2015. Collection method: clinical testing. Allele origin: germline. Affected: no. Not counted in ClinVar's aggregate classification.

PreventionGenetics, part of Exact Sciences
Classification: Likely benign. Review status: criteria provided, single submitter. Criteria: ACMG Guidelines, 2015. Collection method: clinical testing. Allele origin: germline. Not counted in ClinVar's aggregate classification.

NM_000540.3(RYR1):c.10048C>A (p.Arg3350=)

Gene: RYR1 (ryanodine receptor 1; plus strand). Cytogenetic location: 19q13.2.
Variant type: single nucleotide variant.
Coding change: c.10048C>A on transcript NM_000540.3 (MANE Select); coding-DNA position 10048, C replaced by A.
Protein change: p.Arg3350=; no amino-acid change (arginine 3350 retained).
Molecular consequence: synonymous variant.
Genome position (GRCh38, 1-based): chr19:38,519,243, C>A. VCF-style: chr19-38519243-C-A. GRCh37 (hg19) VCF-style: chr19-39009883-C-A.
Other names: NM_000540.3(RYR1):c.10048C>A; p.Arg3350=; c.10048C>A, p.Arg3350= (NM_001042723.2).
Identifiers: ClinVar variation 256386 (VCV000256386.70), dbSNP rs200355885, ClinGen allele CA052256.
Genomic context (GRCh38, chr19:38,519,243, plus strand): 5'-GGTGGCATCAGAGCCCATCGCACCCCTGCAGTGTTCGCACAGCCCATTGTGAGCCGTGCA[C>A]GGCCGGAGCTCCTGCAGTCCCACTTCATCCCAACTATCGGGCGGCTGCGCAAGAGGGCAG-3'
Protein context (NP_000531.2, residues 3340-3360): VFAQPIVSRA[Arg3350=]PELLQSHFIP